The following is an entry in ClinVar:

ClinVar aggregate classification (germline): Conflicting classifications of pathogenicity. Review status: criteria provided, conflicting classifications (1 of 4 stars). 5 submissions from 5 submitters: Uncertain significance (1); Benign (1); Likely benign (2). 1 of the submissions does not count toward it. Last evaluated 2026-01-25.

Conditions:
PGM3-related disorder. Also called: PGM3-related condition.
Immunodeficiency 23 (IMD23). Also called: IMMUNODEFICIENCY WITH HYPER IgE AND COGNITIVE IMPAIRMENT; IMMUNODEFICIENCY-VASCULITIS-MYOCLONUS SYNDROME. Identifiers: Orphanet 443811, MedGen C4014371, MONDO:0014353, OMIM 615816.

Allele frequency attached by ClinVar (database versions not stated): 1000 Genomes Project 0.00260; 1000 Genomes Project 30x 0.00265; TOPMed 0.00301; ESP Exome Variant Server 0.00323.
gnomAD v4.1: 802 of 1,613,866 alleles (0.05%); highest among the groups gnomAD compares: African/African-American, 0.92%; 7 homozygotes.

Submissions (5):

Labcorp Genetics (formerly Invitae), Labcorp
Classification: Benign for Immunodeficiency 23. Last evaluated: 2026-01-25. Review status: criteria provided, single submitter. Criteria: Invitae Variant Classification Sherloc (09022015). Collection method: clinical testing. Allele origin: germline.

Blueprint Genetics
Classification: Likely benign. Last evaluated: 2024-06-10. Review status: criteria provided, single submitter. Criteria: ACMG Guidelines, 2015. Collection method: clinical testing. Allele origin: germline.

Genetic Services Laboratory, University of Chicago
Classification: Likely benign. Last evaluated: 2021-11-24. Review status: criteria provided, single submitter. Criteria: ACMG Guidelines, 2015. Collection method: clinical testing. Allele origin: germline. Affected: no.

Center for Genomics, Ann and Robert H. Lurie Children's Hospital of Chicago
Classification: Uncertain significance for Immunodeficiency 23. Last evaluated: 2021-03-30. Review status: criteria provided, single submitter. Criteria: ACMG Guidelines, 2015. Collection method: clinical testing. Allele origin: germline.
Comment: PGM3 NM_001199917.1 exon 6 p.Arg202Leu (c.605G>T): This variant has not been reported in the literature but is present in 0.9% (220/24038) of African alleles, including 2 homozygotes, in the Genome Aggregation Database. This variant is present in ClinVar (Variation ID:475003). Evolutionary conservation and computational predictive tools suggest that this variant may not impact the protein. In summary, data on this variant is insufficient for disease classification. Therefore, the clinical significance of this variant is uncertain.

PreventionGenetics, part of Exact Sciences
Classification: Likely benign for PGM3-related condition. Last evaluated: 2024-03-21. Review status: no assertion criteria provided. Collection method: clinical testing. Allele origin: germline. Not counted in ClinVar's aggregate classification.
Comment: This variant is classified as likely benign based on ACMG/AMP sequence variant interpretation guidelines (Richards et al. 2015 PMID: 25741868, with internal and published modifications).

NM_015599.3(PGM3):c.521G>T (p.Arg174Leu)

Gene: PGM3 (phosphoglucomutase 3; minus strand). Cytogenetic location: 6q14.1.
Variant type: single nucleotide variant.
Coding change: c.521G>T on transcript NM_015599.3 (MANE Select); coding-DNA position 521, G replaced by T.
Protein change: p.Arg174Leu; replaces arginine 174 with leucine.
Molecular consequence: missense variant. On other transcripts: non-coding transcript variant (1).
Genome position (GRCh38, 1-based): chr6:83,182,915, C>A on the plus strand (G>T on the coding strand, the complement: PGM3 is on the minus strand). VCF-style: chr6-83182915-C-A. GRCh37 (hg19) VCF-style: chr6-83892634-C-A.
Other names: c.605G>T, p.Arg202Leu (NM_001199917.2, NM_001367287.1); c.278G>T, p.Arg93Leu (NM_001199918.2); c.521G>T, p.Arg174Leu (NM_001199919.2, NM_001367286.1); short protein forms R202L, R174L, R93L.
Identifiers: ClinVar variation 475003 (VCV000475003.20), dbSNP rs73749732, ClinGen allele CA3906730.
Genomic context (GRCh38, chr6:83,182,915, plus strand): 5'-AGTTCCACAAAAGCCTTAGAGAGTTTCTGGTAGTAACCTTCTATAGTTGCCTTTCCATAT[C>A]GGCCACCCGTGTTTCGACAATACACCATGTAGTGCAGCTGGGGTGTTGTTAACAAGCCAT-3'
Protein context (NP_056414.1, residues 164-184): YMVYCRNTGG[Arg174Leu]YGKATIEGYY